The following is an entry in ClinVar:

ClinVar aggregate classification (germline): Uncertain significance (1 of 4 stars; one submission).

Submission:

CeGaT Center for Human Genetics Tuebingen
Classification: Uncertain significance. Last evaluated: 2025-06-01. Review status: criteria provided, single submitter. Criteria: CeGaT Center For Human Genetics Tuebingen Variant Classification Criteria Version 2. Collection method: clinical testing. Allele origin: germline. Affected: yes. Observed: 1 variant allele.
Comment: RS1: PM2, PP3

NM_000330.4(RS1):c.514A>G (p.Asn172Asp)

Genes: CDKL5 (cyclin dependent kinase like 5; plus strand), RS1 (retinoschisin 1; minus strand). Cytogenetic location: Xp22.13.
Variant type: single nucleotide variant.
Coding change: c.514A>G on transcript NM_000330.4 (MANE Select); coding-DNA position 514, A replaced by G.
Protein change: p.Asn172Asp; replaces asparagine 172 with aspartic acid.
Molecular consequence: missense variant. On other transcripts: intron variant (2).
Genome position (GRCh38, 1-based): chrX:18,644,438, T>C on the plus strand (A>G on the coding strand, the complement: RS1 is on the minus strand). VCF-style: chrX-18644438-T-C. GRCh37 (hg19) VCF-style: chrX-18662558-T-C.
Other names: c.2714-1569T>C (NM_003159.3, NM_001037343.2); short protein forms N172D.
Identifiers: ClinVar variation 3905523 (VCV003905523.10).
Genomic context (GRCh38, chrX:18,644,438, plus strand): 5'-GGAAGTCCCAGAGGGTGCGAGCTGAAGTTGGTTTGGGATAAGCCCAACTTACCCGGTTGT[T>C]TCCAGTCTGGTCCTTGTAGTAAATCCAGTTCAGGCGCTCATCGGTCCTGTACTGCACGCT-3'
Protein context (NP_000321.1, residues 162-182): NWIYYKDQTG[Asn172Asp]NRVFYGNSDR